The following is an entry in ClinVar:

NM_001243177.4(ALDOA):c.202A>G (p.Lys68Glu)

Genes: ALDOA (aldolase, fructose-bisphosphate A; plus strand), LOC112694756 (uncharaterized LOC112694756; plus strand). Cytogenetic location: 16p11.2.
Variant type: single nucleotide variant.
Coding change: c.202A>G on transcript NM_001243177.4 (MANE Select); coding-DNA position 202, A replaced by G.
Protein change: p.Lys68Glu; replaces lysine 68 with glutamic acid.
Molecular consequence: missense variant. On other transcripts: 3 prime UTR variant (3).
Genome position (GRCh38, 1-based): chr16:30,067,294, A>G. VCF-style: chr16-30067294-A-G. GRCh37 (hg19) VCF-style: chr16-30078615-A-G.
Other names: NM_000034.3:c.40A>G; p.Lys14Glu; c.*549A>G (NM_001365307.2, NM_001365304.2, NM_001365305.2); c.40A>G, p.Lys14Glu (NM_001127617.2, NM_184041.5, NM_184043.2); c.40A>G (NM_184041.4); short protein forms K14E, K68E.
Identifiers: ClinVar variation 2683353 (VCV002683353.2), dbSNP rs905273606, ClinGen allele CA280408689.

ClinVar aggregate classification (germline): Uncertain significance. Review status: criteria provided, multiple submitters, no conflicts (2 of 4 stars). 2 submissions from 2 submitters: Uncertain significance (2). Last evaluated 2024-12-04.

Conditions:
HNSHA due to aldolase A deficiency (GSD12). Also called: GLYCOGEN STORAGE DISEASE XII; GSD XII; RED CELL ALDOLASE DEFICIENCY; Glycogen storage disease due to aldolase A deficiency. Identifiers: Orphanet 57, MedGen C0272066, MONDO:0012747, OMIM 611881.

Allele frequency attached by ClinVar (database versions not stated): gnomAD 0.00001; TOPMed 0.00001.
gnomAD v4.1: 11 of 1,612,734 alleles (0.00068%); highest among the groups gnomAD compares: Middle Eastern, 0.02%; no homozygotes.

Submissions (2):

Revvity Omics, Revvity
Classification: Uncertain significance for HNSHA due to aldolase A deficiency. Last evaluated: 2024-12-04. Review status: criteria provided, single submitter. Criteria: ACMG Guidelines, 2015. Collection method: clinical testing. Allele origin: germline.

Mayo Clinic Laboratories, Mayo Clinic
Classification: Uncertain significance. Last evaluated: 2022-09-26. Review status: criteria provided, single submitter. Criteria: ACMG Guidelines, 2015. Collection method: clinical testing. Allele origin: germline. Observed: 1 variant allele.
Comment: PM2